The following is an entry in ClinVar:

NM_178857.6(RP1L1):c.2011C>A (p.Arg671Ser)

Gene: RP1L1 (RP1 like 1). Cytogenetic location: 8p23.1.
Variant type: single nucleotide variant.
Coding change: c.2011C>A on transcript NM_178857.6 (MANE Select); coding-DNA position 2011, C replaced by A.
Protein change: p.Arg671Ser; replaces arginine 671 with serine.
Molecular consequence: missense variant.
Genome position (GRCh38, 1-based): chr8:10,612,087, G>T on the plus strand (C>A on the coding strand, the complement: RP1L1 is on the minus strand). VCF-style: chr8-10612087-G-T. GRCh37 (hg19) VCF-style: chr8-10469597-G-T.
Other names: c.2011C>A (NM_178857.5); short protein forms R671S.
Identifiers: ClinVar variation 4079888 (VCV004079888.3).

ClinVar aggregate classification (germline): Uncertain significance. Review status: criteria provided, multiple submitters, no conflicts (2 of 4 stars). 3 submissions from 3 submitters: Uncertain significance (3). Last evaluated 2025-06-17.

Conditions:
RP1L1-related disorder. Also called: RP1L1-related condition.

gnomAD v4.1: 28 of 1,613,858 alleles (0.0017%); highest among the groups gnomAD compares: African/African-American, 0.025%; no homozygotes.

Submissions (3):

Revvity Omics, Revvity
Classification: Uncertain significance. Last evaluated: 2025-06-17. Review status: criteria provided, single submitter. Criteria: ACMG Guidelines, 2015. Collection method: clinical testing. Allele origin: germline.

PreventionGenetics, part of Exact Sciences
Classification: Uncertain significance for RP1L1-related condition. Last evaluated: 2024-12-19. Review status: criteria provided, single submitter. Criteria: ACMG Guidelines, 2015. Collection method: clinical testing. Allele origin: germline.
Comment: The RP1L1 c.2011C>A variant is predicted to result in the amino acid substitution p.Arg671Ser. To our knowledge, this variant has not been reported in the literature. This variant is reported in 0.041% of alleles in individuals of African descent in gnomAD. At this time, the clinical significance of this variant is uncertain due to the absence of conclusive functional and genetic evidence.

Blueprint Genetics
Classification: Uncertain significance. Last evaluated: 2022-06-22. Review status: criteria provided, single submitter. Criteria: ACMG Guidelines, 2015. Collection method: clinical testing. Allele origin: germline.